The following is an entry in ClinVar:

ClinVar aggregate classification (germline): Uncertain significance (1 of 4 stars; one submission).

Conditions:
Inborn genetic diseases. Identifiers: MedGen C0950123, MeSH D030342.

Allele frequency attached by ClinVar (database versions not stated): gnomAD exomes 0.00001.
gnomAD v4.1: 7 of 1,593,660 alleles (0.00044%); highest among the groups gnomAD compares: African/African-American, 0.0013%; no homozygotes.

Submission:

Ambry Genetics
Classification: Uncertain significance for Inborn genetic diseases. Last evaluated: 2023-09-16. Review status: criteria provided, single submitter. Criteria: Ambry Variant Classification Scheme 2023. Collection method: clinical testing. Allele origin: germline.
Comment: The p.R287C variant (also known as c.859C>T), located in coding exon 10 of the ERCC2 gene, results from a C to T substitution at nucleotide position 859. The arginine at codon 287 is replaced by cysteine, an amino acid with highly dissimilar properties. This amino acid position is conserved. In addition, the in silico prediction for this alteration is inconclusive. Since supporting evidence is limited at this time, the clinical significance of this alteration remains unclear.

NM_000400.4(ERCC2):c.859C>T (p.Arg287Cys)

Gene: ERCC2 (ERCC excision repair 2, TFIIH core complex helicase subunit; minus strand). Cytogenetic location: 19q13.32.
Variant type: single nucleotide variant.
Coding change: c.859C>T on transcript NM_000400.4 (MANE Select); coding-DNA position 859, C replaced by T.
Protein change: p.Arg287Cys; replaces arginine 287 with cysteine.
Molecular consequence: missense variant.
Genome position (GRCh38, 1-based): chr19:45,364,076, G>A on the plus strand (C>T on the coding strand, the complement: ERCC2 is on the minus strand). VCF-style: chr19-45364076-G-A. GRCh37 (hg19) VCF-style: chr19-45867334-G-A.
Other names: c.787C>T, p.Arg263Cys (NM_001130867.2); short protein forms R263C, R287C.
Identifiers: ClinVar variation 2343558 (VCV002343558.2), dbSNP rs1222183146, ClinGen allele CA406373669.